The following is an entry in ClinVar:

ClinVar aggregate classification (germline): Pathogenic/Likely pathogenic. Review status: criteria provided, multiple submitters, no conflicts (2 of 4 stars). 2 submissions from 2 submitters: Pathogenic (1); Likely pathogenic (1). Last evaluated 2024-09-26.

Conditions:
Congenital lipoid adrenal hyperplasia due to STAR deficency. Also called: ADRENAL HYPERPLASIA I; Lipoid adrenal hyperplasia; Cholesterol monooxygenase (side-chain cleaving) deficiency; Congenital Lipoid Adrenal Hyperplasia. Identifiers: Orphanet 418, Orphanet 90790, MedGen C0342474, MONDO:0008725, OMIM 201710.

Submissions (2):

Natera, Inc.
Classification: Likely pathogenic for Congenital lipoid adrenal hyperplasia. Last evaluated: 2024-09-26. Review status: criteria provided, single submitter. Criteria: Natera Variant Classification Schema (03/2026). Collection method: clinical testing. Allele origin: germline.
Comment: The c.422_423insTT variant in STAR is a frameshift variant predicted to shift the reading frame beginning at codon 141 and leads to a stop codon 46 codons downstream. This variant is expected to result in nonsense mediated decay, truncation, or a dysfunctional protein product. This variant is rare in the general population with a frequency below the threshold expected for the associated phenotype(s). Given the available evidence, this variant is classified as Likely Pathogenic.

Labcorp Genetics (formerly Invitae), Labcorp
Classification: Pathogenic. Last evaluated: 2023-06-09. Review status: criteria provided, single submitter. Criteria: Invitae Variant Classification Sherloc (09022015). Collection method: clinical testing. Allele origin: germline.
Comment: This variant is not present in population databases (gnomAD no frequency). This sequence change creates a premature translational stop signal (p.Met141Ilefs*46) in the STAR gene. It is expected to result in an absent or disrupted protein product. Loss-of-function variants in STAR are known to be pathogenic (PMID: 8948562). For these reasons, this variant has been classified as Pathogenic. ClinVar contains an entry for this variant (Variation ID: 1457197). This variant is also known as 548/InsTT/549. This premature translational stop signal has been observed in individual(s) with congenital lipoid adrenal hyperplasia (PMID: 8948562).

Literature cited by the submitters: PubMed 8948562 (cited by Labcorp Genetics (formerly Invitae), Labcorp).

NM_000349.3(STAR):c.422_423insTT (p.Met141fs)

Gene: STAR (steroidogenic acute regulatory protein; minus strand). Cytogenetic location: 8p11.23.
Variant type: Insertion.
Coding change: c.422_423insTT on transcript NM_000349.3 (MANE Select); coding-DNA positions 422 to 423, TT inserted.
Protein change: p.Met141fs; shifts the reading frame from methionine 141.
Molecular consequence: frameshift variant.
Genome position: GRCh38 VCF-style: chr8-38146331-C-CAA. GRCh37 (hg19) VCF-style: chr8-38003849-C-CAA.
Other names: c.422_423insTT (NM_000349.2); short protein forms M141fs.
Identifiers: ClinVar variation 1457197 (VCV001457197.7), dbSNP rs2130614304, ClinGen allele CA2573142769.